The following is an entry in ClinVar:

ClinVar aggregate classification (germline): Uncertain significance (1 of 4 stars; one submission).

Conditions:
ATP8B1-related disorder. Also called: ATP8B1-related condition; ATP8B1-related disorders.

Allele frequency attached by ClinVar (database versions not stated): TOPMed below 0.00001; gnomAD 0.00001; gnomAD exomes 0.00001; ExAC 0.00002.
gnomAD v4.1: 20 of 1,613,604 alleles (0.0012%); highest among the groups gnomAD compares: Middle Eastern, 0.016%; no homozygotes.

Submission:

PreventionGenetics, part of Exact Sciences
Classification: Uncertain significance for ATP8B1-related condition. Last evaluated: 2023-04-13. Review status: criteria provided, single submitter. Criteria: ACMG Guidelines, 2015. Collection method: clinical testing. Allele origin: germline.
Comment: The ATP8B1 c.2048G>A variant is predicted to result in the amino acid substitution p.Arg683Gln. To our knowledge, this variant has not been reported in the literature. This variant is reported in 0.0054% of alleles in individuals of East Asian descent in gnomAD. At this time, the clinical significance of this variant is uncertain due to the absence of conclusive functional and genetic evidence.

NM_001374385.1(ATP8B1):c.2048G>A (p.Arg683Gln)

Gene: ATP8B1 (ATPase phospholipid transporting 8B1; minus strand). Cytogenetic location: 18q21.31.
Variant type: single nucleotide variant.
Coding change: c.2048G>A on transcript NM_001374385.1 (MANE Select); coding-DNA position 2048, G replaced by A.
Protein change: p.Arg683Gln; replaces arginine 683 with glutamine.
Molecular consequence: missense variant.
Genome position (GRCh38, 1-based): chr18:57,669,367, C>T on the plus strand (G>A on the coding strand, the complement: ATP8B1 is on the minus strand). VCF-style: chr18-57669367-C-T. GRCh37 (hg19) VCF-style: chr18-55336599-C-T.
Other names: c.1898G>A, p.Arg633Gln (NM_001374386.1); c.2048G>A, p.Arg683Gln (NM_005603.6); short protein forms R633Q, R683Q.
Identifiers: ClinVar variation 2632125 (VCV002632125.1), dbSNP rs758837431, ClinGen allele CA8974408.